The following is an entry in ClinVar:

NM_000051.4(ATM):c.2545del (p.Val849fs)

Gene: ATM (ATM serine/threonine kinase; plus strand). Cytogenetic location: 11q22.3.
Variant type: Deletion.
Coding change: c.2545del on transcript NM_000051.4 (MANE Select); coding-DNA position 2545, one base deleted (G; older notation c.2545delG).
Protein change: p.Val849fs; shifts the reading frame from valine 849.
Molecular consequence: frameshift variant.
Genome position (GRCh38, 1-based): chr11:108,267,249, G deleted; the last of 2 consecutive G bases (chr11:108,267,248-108,267,249); deleting either gives the same sequence. VCF-style (leftmost placement, unchanged base first): chr11-108267247-AG-A. GRCh37 (hg19) VCF-style: chr11-108137974-AG-A.
Other names: c.2545del, p.Val849fs (NM_001351834.2); short protein forms V849fs.
Identifiers: ClinVar variation 3325883 (VCV003325883.1).

ClinVar aggregate classification (germline): Pathogenic (1 of 4 stars; one submission).

Conditions:
Hereditary cancer-predisposing syndrome. Also called: Neoplastic Syndromes, Hereditary; Tumor predisposition; Hereditary neoplastic syndrome; Hereditary Cancer Syndrome. Identifiers: Orphanet 140162, MedGen C0027672, MeSH D009386, MONDO:0015356.

Submission:

Ambry Genetics
Classification: Pathogenic for Hereditary cancer-predisposing syndrome. Last evaluated: 2024-05-21. Review status: criteria provided, single submitter. Criteria: Ambry Variant Classification Scheme 2023. Collection method: clinical testing. Allele origin: germline.
Comment: The c.2545delG pathogenic mutation, located in coding exon 16 of the ATM gene, results from a deletion of one nucleotide at nucleotide position 2545, causing a translational frameshift with a predicted alternate stop codon (p.V849Wfs*7). This variant is considered to be rare based on population cohorts in the Genome Aggregation Database (gnomAD).This alteration is expected to result in loss of function by premature protein truncation or nonsense-mediated mRNA decay. As such, this alteration is interpreted as a disease-causing mutation.